The following is an entry in ClinVar:

NM_000525.4(KCNJ11):c.697C>T (p.Leu233Phe)

Gene: KCNJ11 (potassium inwardly rectifying channel subfamily J member 11; minus strand). Cytogenetic location: 11p15.1.
Variant type: single nucleotide variant.
Coding change: c.697C>T on transcript NM_000525.4 (MANE Select); coding-DNA position 697, C replaced by T.
Protein change: p.Leu233Phe; replaces leucine 233 with phenylalanine.
Molecular consequence: missense variant.
Genome position (GRCh38, 1-based): chr11:17,387,395, G>A on the plus strand (C>T on the coding strand, the complement: KCNJ11 is on the minus strand). VCF-style: chr11-17387395-G-A. GRCh37 (hg19) VCF-style: chr11-17408942-G-A.
Other names: c.436C>T, p.Leu146Phe (NM_001166290.2, NM_001377296.1, NM_001377297.1); short protein forms L233F, L146F.
Identifiers: ClinVar variation 617651 (VCV000617651.1), dbSNP rs1564865302, ClinGen allele CA379771407.
Genomic context (GRCh38, chr11:17,387,395, plus strand): 5'-CCACCAGGAAGATGCTGTTGCCACCCACGCCGTTCTCCATGGGGATGTCCACCTGGTGGA[G>A]GGGCACCACCTCGCCCTCGGGGCTGGTGGTCTTGCGTACCACCTGCATGTGGATGGTGGC-3'
Protein context (NP_000516.3, residues 223-243): TTSPEGEVVP[Leu233Phe]HQVDIPMENG

ClinVar aggregate classification (germline): Likely pathogenic (1 of 4 stars; one submission).

Conditions:
Maturity-onset diabetes of the young type 13. Also called: MODY, TYPE 13. Identifiers: Orphanet 552, MedGen C4225365, MONDO:0014589, OMIM 616329.

Submission:

Translational Genomics Laboratory, University of Maryland School of Medicine
Classification: Likely pathogenic for Maturity-onset diabetes of the young, type 13. Last evaluated: 2018-02-09. Review status: criteria provided, single submitter. Criteria: ACMG Guidelines, 2015. Collection method: clinical testing. Allele origin: germline. Affected: yes. Observed: 2 variant alleles.
Comment: The c.697C>T variant in codon 233 (exon 1 of the RefSeqGene) of the potassium voltage-gated channel subfamily J member 11gene, KCNJ11, results in the substitution of Leucine to Phenylalanine. Mutations in KCNJ11 have been reported in patients with permanent neonatal diabetes (PNDM) with or without developmental delay and epilepsy, transient neonatal diabetes (TNDM), and maturity-onset diabetes of the young, type 13 (MODY13) (21054355, 22701567). Additionally, multiple lines of computational evidence (LRT, MutationTaster, FATHMM, MetaSVM, MetalR, Provean, GERP, CADD) predict this variant is probably damaging to the protein structure, function, or protein-protein interaction. The p.Leu233Phe variant was shown to be sensitive to sulfonylurea using an in vitro tolbutamide assay (27033559). ACMG criteria = PS3, PM2, PP3

Literature cited by the submitters: PubMed 21054355; PubMed 22701567; PubMed 21210267; PubMed 27033559.